The following is an entry in ClinVar:

NM_000057.4(BLM):c.2705A>G (p.Asp902Gly)

Gene: BLM (BLM RecQ like helicase; plus strand). Cytogenetic location: 15q26.1.
Variant type: single nucleotide variant.
Coding change: c.2705A>G on transcript NM_000057.4 (MANE Select); coding-DNA position 2705, A replaced by G.
Protein change: p.Asp902Gly; replaces aspartic acid 902 with glycine.
Molecular consequence: missense variant.
Genome position (GRCh38, 1-based): chr15:90,784,963, A>G. VCF-style: chr15-90784963-A-G. GRCh37 (hg19) VCF-style: chr15-91328193-A-G.
Other names: c.2705A>G, p.Asp902Gly (NM_001287246.2, NM_001287247.2); c.1580A>G, p.Asp527Gly (NM_001287248.2); short protein forms D527G, D902G.
Identifiers: ClinVar variation 2111076 (VCV002111076.4), dbSNP rs2505501468, ClinGen allele CA393845933.

ClinVar aggregate classification (germline): Uncertain significance (1 of 4 stars; one submission).

Conditions:
Bloom syndrome (BLM). Also called: Bloom-Torre-Machacek syndrome. Identifiers: Orphanet 125, MedGen C0005859, MONDO:0008876, OMIM 210900.

Allele frequency attached by ClinVar (database versions not stated): gnomAD exomes below 0.00001.
gnomAD v4.1: 1 of 1,614,122 alleles (0.000062%); highest among the groups gnomAD compares: East Asian, 0.0022%; no homozygotes.

Submission:

Labcorp Genetics (formerly Invitae), Labcorp
Classification: Uncertain significance for Bloom syndrome. Last evaluated: 2022-03-13. Review status: criteria provided, single submitter. Criteria: Invitae Variant Classification Sherloc (09022015). Collection method: clinical testing. Allele origin: germline.
Comment: In summary, the available evidence is currently insufficient to determine the role of this variant in disease. Therefore, it has been classified as a Variant of Uncertain Significance. Algorithms developed to predict the effect of missense changes on protein structure and function are either unavailable or do not agree on the potential impact of this missense change (SIFT: "Deleterious"; PolyPhen-2: "Probably Damaging"; Align-GVGD: "Class C0"). This variant has not been reported in the literature in individuals affected with BLM-related conditions. This variant is not present in population databases (gnomAD no frequency). This sequence change replaces aspartic acid, which is acidic and polar, with glycine, which is neutral and non-polar, at codon 902 of the BLM protein (p.Asp902Gly).